The following is an entry in ClinVar:

ClinVar aggregate classification (germline): Conflicting classifications of pathogenicity. Review status: criteria provided, conflicting classifications (1 of 4 stars). 6 submissions from 6 submitters: Likely pathogenic (1); Uncertain significance (4). 1 of the submissions does not count toward it. Last evaluated 2025-05-15.

Conditions:
CSF1R-related disorder. Also called: CSF1R-related condition. Identifiers: MedGen CN379780, MONDO:0100632.
Brain abnormalities, neurodegeneration, and dysosteosclerosis. Identifiers: MedGen C5193117, MONDO:0032772, OMIM 618476.
Leukoencephalopathy, diffuse hereditary, with spheroids 1 (HDLS1). Also called: CSF1R-related adult-onset leukoencephalopathy with axonal spheroids and pigmented glia; DEMENTIA, FAMILIAL, NEUMANN TYPE; SUBCORTICAL GLIOSIS OF NEUMANN. Identifiers: Orphanet 313808, MedGen C5561929, MONDO:0800027, OMIM 221820.
Hereditary diffuse leukoencephalopathy with spheroids. Also called: LEUKOENCEPHALOPATHY, ADULT-ONSET, WITH AXONAL SPHEROIDS AND PIGMENTED GLIA. Identifiers: Orphanet 313808, MedGen C3711381, MONDO:0030796.

Allele frequency attached by ClinVar (database versions not stated): ExAC 0.00002; gnomAD 0.00005; gnomAD exomes 0.00002; TOPMed 0.00005.
gnomAD v4.1: 22 of 1,614,014 alleles (0.0014%); highest among the groups gnomAD compares: African/African-American, 0.012%; no homozygotes.

Submissions (6):

Clinical Genomics Laboratory, Washington University in St. Louis
Classification: Uncertain significance for Brain abnormalities, neurodegeneration, and dysosteosclerosis; Leukoencephalopathy, diffuse hereditary, with spheroids 1. Last evaluated: 2025-05-15. Review status: criteria provided, single submitter. Criteria: ACMG Guidelines, 2015. Collection method: clinical testing. Allele origin: germline.
Comment: The CSF1R c.2562T>A (p.Asn854Lys) variant has been reported in five individuals from the same family affected by HDLS/Primary Progressive Multiple Sclerosis, with the variant reported to segregate in all affected individuals (Granberg T et al., PMID: 26756564; Sundal C et al., PMID: 25311247). This variant has been reported in the ClinVar database as a germline variant of uncertain significance by two submitters. This variant is only observed on 9/282,834 alleles in the general population (gnomAD v.2.1.1), indicating it is not a common variant. Computational predictors indicate that the variant is damaging, evidence that correlates with impact on CSF1R function. Due to limited information, and based on ACMG/AMP guidelines for variant interpretation (Richards S et al., PMID: 25741868), the clinical significance of this variant is uncertain at this time.

Labcorp Genetics (formerly Invitae), Labcorp
Classification: Uncertain significance. Last evaluated: 2024-12-04. Review status: criteria provided, single submitter. Criteria: Invitae Variant Classification Sherloc (09022015). Collection method: clinical testing. Allele origin: germline.
Comment: This sequence change replaces asparagine, which is neutral and polar, with lysine, which is basic and polar, at codon 854 of the CSF1R protein (p.Asn854Lys). This variant is present in population databases (rs690016565, gnomAD 0.02%). This missense change has been observed in individual(s) with hereditary diffuse leukoencephalopathy with spheroids (PMID: 25311247). It has also been observed to segregate with disease in related individuals. ClinVar contains an entry for this variant (Variation ID: 162129). Invitae Evidence Modeling of protein sequence and biophysical properties (such as structural, functional, and spatial information, amino acid conservation, physicochemical variation, residue mobility, and thermodynamic stability) indicates that this missense variant is not expected to disrupt CSF1R protein function with a negative predictive value of 95%. In summary, the available evidence is currently insufficient to determine the role of this variant in disease. Therefore, it has been classified as a Variant of Uncertain Significance.

Blueprint Genetics
Classification: Likely pathogenic for CSF1R-related disorders. Last evaluated: 2022-09-21. Review status: criteria provided, single submitter. Criteria: ACMG Guidelines, 2015. Collection method: clinical testing. Allele origin: germline. Affected: yes. Observed: 5 variant alleles.

CeGaT Center for Human Genetics Tuebingen
Classification: Uncertain significance. Last evaluated: 2020-02-01. Review status: criteria provided, single submitter. Criteria: CeGaT Center For Human Genetics Tuebingen Variant Classification Criteria Version 2. Collection method: clinical testing. Allele origin: germline. Affected: yes. Observed: 1 variant allele.

GeneDx
Classification: Uncertain significance. Last evaluated: 2019-04-01. Review status: criteria provided, single submitter. Criteria: GeneDx Variant Classification Process June 2021. Collection method: clinical testing. Allele origin: germline. Affected: yes.
Comment: In silico analysis, which includes protein predictors and evolutionary conservation, supports that this variant does not alter protein structure/function; This variant is associated with the following publications: (PMID: 25311247, 27338940, 26756564, 31589614)

GeneReviews
No classification provided. Condition: Hereditary diffuse leukoencephalopathy with spheroids. Review status: no classification provided. Collection method: literature only. Allele origin: germline. Not counted in ClinVar's aggregate classification.

Literature cited by the submitters: PubMed 25311247 (cited by Labcorp Genetics (formerly Invitae), Labcorp and GeneReviews); NCBI Bookshelf NBK100239 (cited by GeneReviews).

NM_001288705.3(CSF1R):c.2562T>A (p.Asn854Lys)

Gene: CSF1R (colony stimulating factor 1 receptor; minus strand). Cytogenetic location: 5q32.
Variant type: single nucleotide variant.
Coding change: c.2562T>A on transcript NM_001288705.3 (MANE Select); coding-DNA position 2562, T replaced by A.
Protein change: p.Asn854Lys; replaces asparagine 854 with lysine.
Molecular consequence: missense variant. On other transcripts: non-coding transcript variant (2).
Genome position (GRCh38, 1-based): chr5:150,055,329, A>T on the plus strand (T>A on the coding strand, the complement: CSF1R is on the minus strand). VCF-style: chr5-150055329-A-T. GRCh37 (hg19) VCF-style: chr5-149434892-A-T.
Other names: c.2562T>A, p.Asn854Lys (NM_001349736.2, NM_001375320.1, NM_005211.4); c.2118T>A, p.Asn706Lys (NM_001375321.1); short protein forms N854K, N706K.
Identifiers: ClinVar variation 162129 (VCV000162129.46), dbSNP rs690016565, ClinGen allele CA346104.